The following is an entry in ClinVar:

ClinVar aggregate classification (germline): Uncertain significance. Review status: criteria provided, multiple submitters, no conflicts (2 of 4 stars). 6 submissions from 6 submitters: Uncertain significance (6). Last evaluated 2025-11-20.

Conditions:
Inborn genetic diseases. Identifiers: MedGen C0950123, MeSH D030342.
Epiphyseal dysplasia, multiple, 2 (EDM2). Also called: COL9A2-Related Multiple Epiphyseal Dysplasia. Identifiers: MedGen C1838429, MONDO:0010844, OMIM 600204.

Allele frequency attached by ClinVar (database versions not stated): ExAC 0.00003; gnomAD exomes 0.00004; gnomAD 0.00006 and 0.00007; ESP Exome Variant Server 0.00008; TOPMed 0.00010.
gnomAD v4.1: 83 of 1,614,216 alleles (0.0051%); highest among the groups gnomAD compares: Middle Eastern, 0.25%; no homozygotes.

Submissions (6):

Labcorp Genetics (formerly Invitae), Labcorp
Classification: Uncertain significance. Last evaluated: 2025-11-20. Review status: criteria provided, single submitter. Criteria: Invitae Variant Classification Sherloc (09022015). Collection method: clinical testing. Allele origin: germline.
Comment: This sequence change replaces glycine, which is neutral and non-polar, with arginine, which is basic and polar, at codon 78 of the COL9A2 protein (p.Gly78Arg). This variant is present in population databases (rs376722979, gnomAD 0.008%). This variant has not been reported in the literature in individuals affected with COL9A2-related conditions. ClinVar contains an entry for this variant (Variation ID: 451814). Invitae Evidence Modeling of protein sequence and biophysical properties (such as structural, functional, and spatial information, amino acid conservation, physicochemical variation, residue mobility, and thermodynamic stability) indicates that this missense variant is expected to disrupt COL9A2 protein function with a positive predictive value of 95%. In summary, the available evidence is currently insufficient to determine the role of this variant in disease. Therefore, it has been classified as a Variant of Uncertain Significance.

Ambry Genetics
Classification: Uncertain significance for Inborn genetic diseases. Last evaluated: 2025-08-23. Review status: criteria provided, single submitter. Criteria: Ambry Variant Classification Scheme 2023. Collection method: clinical testing. Allele origin: germline.

Blueprint Genetics
Classification: Uncertain significance. Last evaluated: 2024-11-22. Review status: criteria provided, single submitter. Criteria: ACMG Guidelines, 2015. Collection method: clinical testing. Allele origin: germline.

GeneDx
Classification: Uncertain significance. Last evaluated: 2024-05-09. Review status: criteria provided, single submitter. Criteria: GeneDx Variant Classification Process June 2021. Collection method: clinical testing. Allele origin: germline. Affected: yes.
Comment: In silico analysis supports that this missense variant has a deleterious effect on protein structure/function; Has not been previously published as pathogenic or benign to our knowledge

Eurofins Ntd Llc (ga)
Classification: Uncertain significance. Last evaluated: 2018-07-13. Review status: criteria provided, single submitter. Criteria: EGL ClinVar v180209 classification definitions. Collection method: clinical testing. Allele origin: germline. Observed: 1 variant allele, 1 heterozygote.

Illumina Laboratory Services, Illumina
Classification: Uncertain significance for Epiphyseal dysplasia, multiple, 2. Last evaluated: 2018-01-13. Review status: criteria provided, single submitter. Criteria: ICSL Variant Classification Criteria 13 December 2019. Collection method: clinical testing. Allele origin: germline.

NM_001852.4(COL9A2):c.232G>A (p.Gly78Arg)

Gene: COL9A2 (collagen type IX alpha 2 chain; minus strand). Cytogenetic location: 1p34.2.
Variant type: single nucleotide variant.
Coding change: c.232G>A on transcript NM_001852.4 (MANE Select); coding-DNA position 232, G replaced by A.
Protein change: p.Gly78Arg; replaces glycine 78 with arginine.
Molecular consequence: missense variant.
Genome position (GRCh38, 1-based): chr1:40,314,222, C>T on the plus strand (G>A on the coding strand, the complement: COL9A2 is on the minus strand). VCF-style: chr1-40314222-C-T. GRCh37 (hg19) VCF-style: chr1-40779894-C-T.
Other names: short protein forms G78R.
Identifiers: ClinVar variation 451814 (VCV000451814.22), dbSNP rs376722979, ClinGen allele CA792062.
Genomic context (GRCh38, chr1:40,314,222, plus strand): 5'-TGGCAGAGCCCTACCCTGCCCCACCCGACACTCAGCTACTCACATCAATCCCGGGCTTCC[C>T]GTCTGGCCCATCTGGCCCAGCTTTGCCAGGCTCGCCCTTGGGTCCCTTGAAAACAGAGAT-3'
Protein context (NP_001843.1, residues 68-88): PGKAGPDGPD[Gly78Arg]KPGIDGLTGA